The following is an entry in ClinVar:

ClinVar aggregate classification (germline): Pathogenic (1 of 4 stars; one submission).

Conditions:
Severe myoclonic epilepsy in infancy (DRVT). Also called: Epileptic encephalopathy, early infantile, 6 (Dravet syndrome); SEVERE MYOCLONIC EPILEPSY OF INFANCY; DEVELOPMENTAL AND EPILEPTIC ENCEPHALOPATHY 6A; Severe Myoclonic Epilepsy in Infancy (SMEI); Dravet syndrome. Identifiers: Orphanet 33069, MedGen C0751122, MONDO:0100135, OMIM 607208.

Submission:

Center for Bioinformatics, Peking University
Classification: Pathogenic for Dravet syndrome. Last evaluated: 2014-12-20. Review status: criteria provided, single submitter. Criteria: Xu et al. (Hum Mutat. 2015). Collection method: research. Allele origin: de novo. Affected: yes. Observed: 1 variant allele. Study: University Clinical Cooperation “985 Project” PKU-2014-1-1.
Comment: Dravet syndrome (DS) probands were recruited from the outpatient and inpatient child neurology units of Peking University First Hospital from 2005 till present. The study was approved by the Ethics Committee of Peking University First Hospital and the Institutional Review Board at Peking University. Participants or their parents provided written informed consent before enrollment. We collected a total of 267 mutations from 255 families with probands diagnosed with DS in China. All probands fulfilled the clinical diagnostic criteria.

NM_001165963.4(SCN1A):c.384_1662dup

Gene: SCN1A (sodium voltage-gated channel alpha subunit 1; minus strand).
Variant type: Duplication.
Coding change: c.384_1662dup on transcript NM_001165963.4; coding-DNA positions 384 to 1662, 1,279 bases duplicated.
Identifiers: ClinVar variation 190027 (VCV000190027.1).